The following is an entry in ClinVar:

NM_001080467.3(MYO5B):c.2597C>T (p.Thr866Ile)

Gene: MYO5B (myosin VB; minus strand). Cytogenetic location: 18q21.1.
Variant type: single nucleotide variant.
Coding change: c.2597C>T on transcript NM_001080467.3 (MANE Select); coding-DNA position 2597, C replaced by T.
Protein change: p.Thr866Ile; replaces threonine 866 with isoleucine.
Molecular consequence: missense variant.
Genome position (GRCh38, 1-based): chr18:49,902,808, G>A on the plus strand (C>T on the coding strand, the complement: MYO5B is on the minus strand). VCF-style: chr18-49902808-G-A. GRCh37 (hg19) VCF-style: chr18-47429178-G-A.
Other names: short protein forms T866I.
Identifiers: ClinVar variation 2418058 (VCV002418058.6), dbSNP rs1223179131, ClinGen allele CA402433612.

ClinVar aggregate classification (germline): Uncertain significance (1 of 4 stars; one submission).

Allele frequency attached by ClinVar (database versions not stated): gnomAD exomes below 0.00001.
gnomAD v4.1: 2 of 1,601,444 alleles (0.00012%); highest among the groups gnomAD compares: Non-Finnish European, 0.00017%; no homozygotes.

Submission:

Labcorp Genetics (formerly Invitae), Labcorp
Classification: Uncertain significance. Last evaluated: 2025-10-20. Review status: criteria provided, single submitter. Criteria: Invitae Variant Classification Sherloc (09022015). Collection method: clinical testing. Allele origin: germline.
Comment: This sequence change replaces threonine, which is neutral and polar, with isoleucine, which is neutral and non-polar, at codon 866 of the MYO5B protein (p.Thr866Ile). This variant is not present in population databases (gnomAD no frequency). This variant has not been reported in the literature in individuals affected with MYO5B-related conditions. ClinVar contains an entry for this variant (Variation ID: 2418058). Invitae Evidence Modeling of protein sequence and biophysical properties (such as structural, functional, and spatial information, amino acid conservation, physicochemical variation, residue mobility, and thermodynamic stability) indicates that this missense variant is not expected to disrupt MYO5B protein function with a negative predictive value of 80%. In summary, the available evidence is currently insufficient to determine the role of this variant in disease. Therefore, it has been classified as a Variant of Uncertain Significance.